The following is an entry in ClinVar:

ClinVar aggregate classification (germline): Pathogenic (1 of 4 stars; one submission).

Conditions:
Fanconi anemia (FA). Also called: Fanconi's anemia. Identifiers: Orphanet 84, MedGen C0015625, MeSH D005199, MONDO:0019391.

Submission:

Labcorp Genetics (formerly Invitae), Labcorp
Classification: Pathogenic for Fanconi anemia. Last evaluated: 2023-03-04. Review status: criteria provided, single submitter. Criteria: Invitae Variant Classification Sherloc (09022015). Collection method: clinical testing. Allele origin: germline.
Comment: For these reasons, this variant has been classified as Pathogenic. This variant has not been reported in the literature in individuals affected with FANCI-related conditions. This variant is not present in population databases (gnomAD no frequency). This sequence change creates a premature translational stop signal (p.Pro663Thrfs*17) in the FANCI gene. It is expected to result in an absent or disrupted protein product. Loss-of-function variants in FANCI are known to be pathogenic (PMID: 17452773, 17460694).

Literature cited by the submitters: PubMed 17452773; PubMed 17460694.

NM_001113378.2(FANCI):c.1986dup (p.Pro663fs)

Gene: FANCI (FA complementation group I; plus strand). Cytogenetic location: 15q26.1.
Variant type: Duplication.
Coding change: c.1986dup on transcript NM_001113378.2 (MANE Select); coding-DNA position 1986, one base duplicated (A; older notation c.1986dupA).
Protein change: p.Pro663fs; shifts the reading frame from proline 663.
Molecular consequence: frameshift variant.
Genome position (GRCh38, 1-based): chr15:89,291,708, A duplicated; the last of 2 consecutive A bases (chr15:89,291,707-89,291,708); duplicating either gives the same sequence. VCF-style (leftmost placement, unchanged base first): chr15-89291706-G-GA. GRCh37 (hg19) VCF-style: chr15-89834937-G-GA.
Other names: c.1707dup, p.Pro570fs (NM_001376910.1); c.1986dup, p.Pro663fs (NM_001376911.1, NM_018193.3); short protein forms P663fs, P570fs.
Identifiers: ClinVar variation 2989619 (VCV002989619.3), dbSNP rs2507357630, ClinGen allele CA2740096749.